The following is an entry in ClinVar:

ClinVar aggregate classification (germline): Pathogenic (1 of 4 stars; one submission).

Allele frequency attached by ClinVar (database versions not stated): gnomAD exomes below 0.00001; TOPMed below 0.00001; ExAC 0.00002.
gnomAD v4.1: 2 of 1,600,148 alleles (0.00012%); highest among the groups gnomAD compares: Non-Finnish European, 0.00017%; no homozygotes.

Submission:

Labcorp Genetics (formerly Invitae), Labcorp
Classification: Pathogenic. Last evaluated: 2022-12-16. Review status: criteria provided, single submitter. Criteria: Invitae Variant Classification Sherloc (09022015). Collection method: clinical testing. Allele origin: germline.
Comment: This sequence change affects a donor splice site in intron 8 of the MYO7A gene. It is expected to disrupt RNA splicing. Variants that disrupt the donor or acceptor splice site typically lead to a loss of protein function (PMID: 16199547), and loss-of-function variants in MYO7A are known to be pathogenic (PMID: 8900236, 25404053). The frequency data for this variant in the population databases is considered unreliable, as metrics indicate poor data quality at this position in the gnomAD database. Disruption of this splice site has been observed in individual(s) with Usher syndrome (PMID: 29287864). In at least one individual the data is consistent with being in trans (on the opposite chromosome) from a pathogenic variant. It has also been observed to segregate with disease in related individuals. ClinVar contains an entry for this variant (Variation ID: 1414478). Algorithms developed to predict the effect of sequence changes on RNA splicing suggest that this variant may disrupt the consensus splice site. For these reasons, this variant has been classified as Pathogenic.

Literature cited by the submitters: PubMed 16199547; PubMed 8900236; PubMed 25404053; PubMed 29287864.

NM_000260.4(MYO7A):c.849+1G>A

Gene: MYO7A (myosin VIIA; plus strand). Cytogenetic location: 11q13.5.
Variant type: single nucleotide variant.
Coding change: c.849+1G>A on transcript NM_000260.4 (MANE Select); the canonical splice donor site of the intron after coding-DNA position 849, G replaced by A.
Molecular consequence: splice donor variant.
Genome position (GRCh38, 1-based): chr11:77,157,393, G>A. VCF-style: chr11-77157393-G-A. GRCh37 (hg19) VCF-style: chr11-76868439-G-A.
Other names: c.816+1G>A (NM_001369365.1); c.849+1G>A (NM_001127180.2).
Identifiers: ClinVar variation 1414478 (VCV001414478.6), dbSNP rs781916556, ClinGen allele CA6197260.